The following is an entry in ClinVar:

NM_001135649.3(FOXI3):c.67_78del (p.Thr23_Ala26del)

Gene: FOXI3 (forkhead box I3; minus strand). Cytogenetic location: 2p11.2.
Variant type: Deletion.
Coding change: c.67_78del on transcript NM_001135649.3 (MANE Select); coding-DNA positions 67 to 78, 12 bases deleted (ACCGCCGCCGCC).
Protein change: p.Thr23_Ala26del.
Molecular consequence: inframe deletion.
Genome position (GRCh38, 1-based): chr2:88,452,458-88,452,469, GGCGGCGGCGGT deleted on the plus strand (ACCGCCGCCGCC on the coding strand, the reverse complement: FOXI3 is on the minus strand); deleting any 12 consecutive bases within chr2:88,452,458-88,452,477 gives the same sequence; the c. name uses the placement nearest the transcript's 3' end. VCF-style (leftmost placement, unchanged base first): chr2-88452457-GGGCGGCGGCGGT-G. GRCh37 (hg19) VCF-style: chr2-88751975-GGGCGGCGGCGGT-G.
Identifiers: ClinVar variation 2754306 (VCV002754306.3), dbSNP rs1361087698, ClinGen allele CA894287697.

ClinVar aggregate classification (germline): Uncertain significance (1 of 4 stars; one submission).

Submission:

Labcorp Genetics (formerly Invitae), Labcorp
Classification: Uncertain significance. Last evaluated: 2024-12-30. Review status: criteria provided, single submitter. Criteria: Invitae Variant Classification Sherloc (09022015). Collection method: clinical testing. Allele origin: germline.
Comment: This variant, c.67_78del, results in the deletion of 4 amino acid(s) of the FOXI3 protein (p.Thr23_Ala26del), but otherwise preserves the integrity of the reading frame. The frequency data for this variant in the population databases is considered unreliable, as metrics indicate insufficient coverage at this position in the gnomAD database. This variant has not been reported in the literature in individuals affected with FOXI3-related conditions. ClinVar contains an entry for this variant (Variation ID: 2754306). Experimental studies and prediction algorithms are not available or were not evaluated, and the functional significance of this variant is currently unknown. In summary, the available evidence is currently insufficient to determine the role of this variant in disease. Therefore, it has been classified as a Variant of Uncertain Significance.